The following is an entry in ClinVar:

ClinVar aggregate classification (germline): Uncertain significance (1 of 4 stars; one submission).

gnomAD v4.1: 6 of 1,613,540 alleles (0.00037%); highest among the groups gnomAD compares: East Asian, 0.0022%; no homozygotes.

Submission:

Labcorp Genetics (formerly Invitae), Labcorp
Classification: Uncertain significance. Last evaluated: 2026-01-06. Review status: criteria provided, single submitter. Criteria: Invitae Variant Classification Sherloc (09022015). Collection method: clinical testing. Allele origin: germline.
Comment: This sequence change replaces arginine, which is basic and polar, with histidine, which is basic and polar, at codon 387 of the GFM2 protein (p.Arg387His). This variant is not present in population databases (gnomAD no frequency). This variant has not been reported in the literature in individuals affected with GFM2-related conditions. ClinVar contains an entry for this variant (Variation ID: 2794999). Invitae Evidence Modeling of protein sequence and biophysical properties (such as structural, functional, and spatial information, amino acid conservation, physicochemical variation, residue mobility, and thermodynamic stability) indicates that this missense variant is expected to disrupt GFM2 protein function with a positive predictive value of 80%. In summary, the available evidence is currently insufficient to determine the role of this variant in disease. Therefore, it has been classified as a Variant of Uncertain Significance.

NM_032380.5(GFM2):c.1160G>A (p.Arg387His)

Gene: GFM2 (GTP dependent ribosome recycling factor mitochondrial 2; minus strand). Cytogenetic location: 5q13.3.
Variant type: single nucleotide variant.
Coding change: c.1160G>A on transcript NM_032380.5 (MANE Select); coding-DNA position 1160, G replaced by A.
Protein change: p.Arg387His; replaces arginine 387 with histidine.
Molecular consequence: missense variant. On other transcripts: non-coding transcript variant (1), intron variant (1).
Genome position (GRCh38, 1-based): chr5:74,738,562, C>T on the plus strand (G>A on the coding strand, the complement: GFM2 is on the minus strand). VCF-style: chr5-74738562-C-T. GRCh37 (hg19) VCF-style: chr5-74034387-C-T.
Other names: c.1256G>A, p.Arg419His (NM_001281302.2); c.1160G>A, p.Arg387His (NM_170681.3); c.1080-145G>A (NM_170691.3); short protein forms R387H, R419H.
Identifiers: ClinVar variation 2794999 (VCV002794999.3), dbSNP rs1271669619, ClinGen allele CA360080172.
Genomic context (GRCh38, chr5:74,738,562, plus strand): 5'-GTGCAGTTTCCATTAATATTATGAATGGCCAACTGGGGTTTTATAGTGCCTGAGTAAATG[C>T]GCATAAAAACCAGTGGTCCTCGCTGCTTGTCATGGAGAACTTTAAATGCCAATGCACATA-3'
Protein context (NP_115756.2, residues 377-397): DKQRGPLVFM[Arg387His]IYSGTIKPQL